The following is an entry in ClinVar:

NM_013382.7(POMT2):c.559C>T (p.Leu187Phe)

Gene: POMT2 (protein O-mannosyltransferase 2; minus strand). Cytogenetic location: 14q24.3.
Variant type: single nucleotide variant.
Coding change: c.559C>T on transcript NM_013382.7 (MANE Select); coding-DNA position 559, C replaced by T.
Protein change: p.Leu187Phe; replaces leucine 187 with phenylalanine.
Molecular consequence: missense variant.
Genome position (GRCh38, 1-based): chr14:77,302,932, G>A on the plus strand (C>T on the coding strand, the complement: POMT2 is on the minus strand). VCF-style: chr14-77302932-G-A. GRCh37 (hg19) VCF-style: chr14-77769275-G-A.
Identifiers: ClinVar variation 95544 (VCV000095544.11), dbSNP rs398124265, ClinGen allele CA223091.

ClinVar aggregate classification (germline): Conflicting classifications of pathogenicity. Review status: criteria provided, conflicting classifications (1 of 4 stars). 3 submissions from 3 submitters: Likely pathogenic (1); Uncertain significance (2). Last evaluated 2022-03-08.

Conditions:
Muscular dystrophy-dystroglycanopathy (congenital with brain and eye anomalies), type A2. Also called: WALKER-WARBURG SYNDROME OR MUSCLE-EYE-BRAIN DISEASE, POMT2-RELATED; MUSCULAR DYSTROPHY-DYSTROGLYCANOPATHY (CONGENITAL WITH BRAIN AND EYE ANOMALIES), TYPE A, 2. Identifiers: Orphanet 588, Orphanet 899, MedGen C3150411, MONDO:0013154, OMIM 613150.
Muscular dystrophy-dystroglycanopathy (congenital with impaired intellectual development), type B, 2. Also called: MUSCULAR DYSTROPHY, CONGENITAL, POMT2-RELATED; Muscular dystrophy-dystroglycanopathy (congenital with intellectual disability), type B2. Identifiers: MedGen C3150416, MONDO:0013160, OMIM 613156.
Autosomal recessive limb-girdle muscular dystrophy type 2N. Also called: MUSCULAR DYSTROPHY-DYSTROGLYCANOPATHY, LIMB-GIRDLE, POMT2-RELATED; Muscular dystrophy-dystroglycanopathy (limb-girdle), type C, 2. Identifiers: Orphanet 206559, MedGen C3150418, MONDO:0013162, OMIM 613158.

Allele frequency attached by ClinVar (database versions not stated): gnomAD exomes below 0.00001 and 0.00001; ExAC 0.00001.
gnomAD v4.1: 7 of 1,612,356 alleles (0.00043%); highest among the groups gnomAD compares: Non-Finnish European, 0.00059%; no homozygotes.

Submissions (3):

Labcorp Genetics (formerly Invitae), Labcorp
Classification: Uncertain significance for Muscular dystrophy-dystroglycanopathy (congenital with impaired intellectual development), type B, 2; Muscular dystrophy-dystroglycanopathy (congenital with brain and eye anomalies), type A2; Autosomal recessive limb-girdle muscular dystrophy type 2N. Last evaluated: 2022-03-08. Review status: criteria provided, single submitter. Criteria: Invitae Variant Classification Sherloc (09022015). Collection method: clinical testing. Allele origin: germline.
Comment: This sequence change replaces leucine, which is neutral and non-polar, with phenylalanine, which is neutral and non-polar, at codon 187 of the POMT2 protein (p.Leu187Phe). This variant is present in population databases (rs398124265, gnomAD 0.0009%). This variant has not been reported in the literature in individuals affected with POMT2-related conditions. ClinVar contains an entry for this variant (Variation ID: 95544). Algorithms developed to predict the effect of missense changes on protein structure and function are either unavailable or do not agree on the potential impact of this missense change (SIFT: "Tolerated"; PolyPhen-2: "Probably Damaging"; Align-GVGD: "Class C0"). In summary, the available evidence is currently insufficient to determine the role of this variant in disease. Therefore, it has been classified as a Variant of Uncertain Significance.

GeneDx
Classification: Likely pathogenic. Last evaluated: 2020-08-24. Review status: criteria provided, single submitter. Criteria: GeneDx Variant Classification Process June 2021. Collection method: clinical testing. Allele origin: germline. Affected: yes.
Comment: Not observed at a significant frequency in large population cohorts (Lek et al., 2016); In silico analysis supports that this missense variant has a deleterious effect on protein structure/function; Has not been previously published as pathogenic or benign to our knowledge

Eurofins Ntd Llc (ga)
Classification: Uncertain significance. Last evaluated: 2017-02-01. Review status: criteria provided, single submitter. Criteria: EGL Classification Definitions 2015. Collection method: clinical testing. Allele origin: germline. Observed: 2 variant alleles, 2 heterozygotes.